The following is an entry in ClinVar:

NM_001378615.1(CC2D2A):c.3917C>G (p.Pro1306Arg)

Genes: CC2D2A (coiled-coil and C2 domain containing 2A; plus strand), FBXL5 (F-box and leucine rich repeat protein 5; minus strand). Cytogenetic location: 4p15.32.
Variant type: single nucleotide variant.
Coding change: c.3917C>G on transcript NM_001378615.1 (MANE Select); coding-DNA position 3917, C replaced by G.
Protein change: p.Pro1306Arg; replaces proline 1306 with arginine.
Molecular consequence: missense variant.
Genome position (GRCh38, 1-based): chr4:15,580,113, C>G. VCF-style: chr4-15580113-C-G. GRCh37 (hg19) VCF-style: chr4-15581736-C-G.
Other names: c.3917C>G, p.Pro1306Arg (NM_001080522.2); c.3770C>G, p.Pro1257Arg (NM_001378617.1); short protein forms P1306R, P1257R.
Identifiers: ClinVar variation 3590395 (VCV003590395.2).

ClinVar aggregate classification (germline): Conflicting classifications of pathogenicity. Review status: criteria provided, conflicting classifications (1 of 4 stars). 2 submissions from 2 submitters: Likely pathogenic (1); Uncertain significance (1). Last evaluated 2026-02-10.

Conditions:
Retinitis pigmentosa 93. Identifiers: MedGen C5676970, MONDO:0030797, OMIM 619845.
COACH syndrome 2. Identifiers: MedGen C5436837, MONDO:0030859, OMIM 619111.
Meckel syndrome, type 6. Identifiers: Orphanet 564, MedGen C2676790, MONDO:0012848, OMIM 612284.
Joubert syndrome 9 (JBTS9). Identifiers: Orphanet 2318, MedGen C2676788, MONDO:0012849, OMIM 612285.

gnomAD v4.1: 10 of 1,613,868 alleles (0.00062%); highest among the groups gnomAD compares: Non-Finnish European, 0.00085%; no homozygotes.

Submissions (2):

GeneDx
Classification: Likely pathogenic. Last evaluated: 2026-02-10. Review status: criteria provided, single submitter. Criteria: GeneDx Variant Classification Process June 2021. Collection method: clinical testing. Allele origin: germline.
Comment: Not observed at significant frequency in large population cohorts (gnomAD); In silico analysis supports that this missense variant has a deleterious effect on protein structure/function; Has not been previously published as pathogenic or benign to our knowledge

Fulgent Genetics
Classification: Uncertain significance for Meckel syndrome, type 6; Joubert syndrome 9; COACH syndrome 2; Retinitis pigmentosa 93. Last evaluated: 2024-01-06. Review status: criteria provided, single submitter. Criteria: ACMG Guidelines, 2015. Collection method: clinical testing. Allele origin: germline.